The following is an entry in ClinVar:

NM_000256.3(MYBPC3):c.1684G>A (p.Ala562Thr)

Gene: MYBPC3 (myosin binding protein C3; minus strand). Cytogenetic location: 11p11.2.
Variant type: single nucleotide variant.
Coding change: c.1684G>A on transcript NM_000256.3 (MANE Select); coding-DNA position 1684, G replaced by A.
Protein change: p.Ala562Thr; replaces alanine 562 with threonine.
Molecular consequence: missense variant.
Genome position (GRCh38, 1-based): chr11:47,342,097, C>T on the plus strand (G>A on the coding strand, the complement: MYBPC3 is on the minus strand). VCF-style: chr11-47342097-C-T. GRCh37 (hg19) VCF-style: chr11-47363648-C-T.
Other names: short protein forms A562T.
Identifiers: ClinVar variation 42559 (VCV000042559.18), dbSNP rs397515919, ClinGen allele CA010915.
Genomic context (GRCh38, chr11:47,342,097, plus strand): 5'-TCCCATTCTTCAGCCACACACCCCGAACATTCTCATCTGAGACCTCACATTTGAACACCG[C>T]CTGGTCCTTTGCGCCCACCATCAGGTCTGCGATGCTCTGGTACACCTCCAGCTTCTTTTC-3'
Protein context (NP_000247.2, residues 552-572): ADLMVGAKDQ[Ala562Thr]VFKCEVSDEN

ClinVar aggregate classification (germline): Uncertain significance. Review status: criteria provided, multiple submitters, no conflicts (2 of 4 stars). 6 submissions from 6 submitters: Uncertain significance (5). 1 of the submissions does not count toward it. Last evaluated 2026-01-21.

Conditions:
Hypertrophic cardiomyopathy 4. Also called: Familial hypertrophic cardiomyopathy 4. Identifiers: MedGen C1861862, MONDO:0007268, OMIM 115197.
Hypertrophic cardiomyopathy. Also called: HYPERTROPHIC MYOCARDIOPATHY. Identifiers: Orphanet 217569, MedGen C0007194, MeSH D002312, MONDO:0005045, HP:0001639.

Allele frequency attached by ClinVar (database versions not stated): gnomAD exomes below 0.00001.
gnomAD v4.1: 1 of 1,614,016 alleles (0.000062%); highest among the groups gnomAD compares: Non-Finnish European, 0.000085%; no homozygotes.

Submissions (6):

Victorian Clinical Genetics Services, Murdoch Childrens Research Institute
Classification: Uncertain significance for Hypertrophic cardiomyopathy 4. Last evaluated: 2026-01-21. Review status: criteria provided, single submitter. Criteria: ACMG Guidelines, 2015. Collection method: clinical testing. Allele origin: germline. Affected: yes.
Comment: This variant is classified as VUS-3A. Evidence in support of pathogenic classification: Variant is present in gnomAD <0.01 (v4: 1 heterozygote(s), 0 homozygote(s)); Missense variant predicted to be damaging by in silico tool(s) or highly conserved with a major amino acid change. Additional information: Variant is predicted to result in a missense amino acid change from Ala to Thr; This variant is heterozygous; This gene is associated with both recessive and dominant disease. Dominant inheritance is frequently reported in adult onset conditions and recessive inheritance results in a more severe early onset phenotype (OMIM). Association to recessive disease is currently rated as limited by ClinGen. - Alternative amino acid change(s) at the same position are present in gnomAD (highest allele count: v4: 8 heterozygote(s), 0 homozygote(s)). - Previous evidence of pathogenicity for this variant is inconclusive. This variant has been classified as a VUS by multiple clinical laboratories in ClinVar. It has also been reported in the literature as heterozygous in individuals with hypertrophic cardiomyopathy (HCM) and as homozygous in an individual with HCM (PMIDs: 28214152, 33954932, 39554508, 32841044); No published evidence of segregation with disease has been identified for this variant; No published functional evidence has been identified for this variant; Other missense variant(s) comparable to the one identified in this case have conflicting previous evidence for pathogenicity. p.(Ala562Glu) and p.(Ala562Val) have both been classified as VUS and likely pathogenic by clinical laboratories in ClinVar. p.(Ala562Val) has also been reported in the literature in individuals with HCM and in a cohort of cardiomyopathy and arrhythmia patients (PMIDs: 37466024, 33954932, 35947370, 32841044, 28265379, 27532257); Variant is located in the annotated immunoglobulin I-set domain (DECIPHER). - Loss of function is a known mechanism of disease in this gene and is associated with hypertrophic cardiomyopathy 4 (HCM; MIM#115197); Variants in this gene are known to have variable expressivity (PMID: 32841044); Inheritance information for this variant is not currently available in this individual.

Dasa
Classification: Uncertain significance. Last evaluated: 2025-06-26. Review status: criteria provided, single submitter. Criteria: DASA Assertion Criteria. Collection method: clinical testing. Allele origin: germline.
Comment: NM_000256.3(MYBPC3):c.1684G>A (p.Ala562Thr) is a missense variant that results in the substitution of alanine with threonine. This variant has been recurrently observed in individuals with MYBPC3-related disorders (PMID: 32841044; PMID: 30297972; PMID: 28214152). Segregation data support an association with disease in the reported family/families (PMID: 28214152). Also, this variant is rare in population databases. Computational prediction algorithms are consistent with a deleterious effect. The currently available literature and clinical evidence are not sufficient to establish a definitive association between this variant and the reported condition. Therefore, this variant is classified as a variant of uncertain significance.

All of Us Research Program, National Institutes of Health
Classification: Uncertain significance for Hypertrophic cardiomyopathy. Last evaluated: 2024-05-30. Review status: criteria provided, single submitter. Criteria: ACMG Guidelines, 2015. Collection method: clinical testing. Allele origin: germline. Inheritance: Autosomal dominant inheritance. Observed: 1 variant allele, 1 heterozygote.
Comment: This missense variant replaces alanine with threonine at codon 562 of the MYBPC3 protein. Computational prediction tools indicate that this variant has a deleterious impact on protein structure and function. To our knowledge, functional studies have not been reported for this variant. This variant has been reported in two individuals affected with hypertrophic cardiomyopathy (PMID: 28214152, 30297972, 32841044). This variant has not been identified in the general population by the Genome Aggregation Database (gnomAD). The available evidence is insufficient to determine the role of this variant in disease conclusively. Therefore, this variant is classified as a Variant of Uncertain Significance.

This study involves interpretation of variants in research participants for the purpose of population health screening. Participant phenotype was not available at the time of variant classification. Additional details can be found in publication PMID: 35346344, PMCID: PMC8962531

Labcorp Genetics (formerly Invitae), Labcorp
Classification: Uncertain significance for Hypertrophic cardiomyopathy. Last evaluated: 2020-10-27. Review status: criteria provided, single submitter. Criteria: Invitae Variant Classification Sherloc (09022015). Collection method: clinical testing. Allele origin: germline.
Comment: This variant is not present in population databases (ExAC no frequency). This sequence change replaces alanine with threonine at codon 562 of the MYBPC3 protein (p.Ala562Thr). The alanine residue is highly conserved and there is a small physicochemical difference between alanine and threonine. ClinVar contains an entry for this variant (Variation ID: 42559). Algorithms developed to predict the effect of missense changes on protein structure and function (SIFT, PolyPhen-2, Align-GVGD) all suggest that this variant is likely to be disruptive, but these predictions have not been confirmed by published functional studies and their clinical significance is uncertain. In summary, the available evidence is currently insufficient to determine the role of this variant in disease. Therefore, it has been classified as a Variant of Uncertain Significance.

Laboratory for Molecular Medicine, Mass General Brigham Personalized Medicine
Classification: Uncertain significance. Last evaluated: 2012-06-22. Review status: criteria provided, single submitter. Criteria: LMM Criteria. Collection method: clinical testing. Allele origin: germline. Observed: 1 variant allele.
Comment: The Ala562Thr variant in MYBPC3 has not been reported in the literature nor prev iously identified by our laboratory. Alanine (Ala) at position 562 is highly con served in evolution, suggesting that a change may impact the protein. Other comp utational analyses (biochemical amino acid properties, AlignGVGD, PolyPhen2, and SIFT) also support an impact to the protein though the accuracy of these tools is unknown. Additional information is needed to fully assess the clinical signif icance of the Ala562Thr variant.

Zaffran Lab, Genetics of Cardiac Diseases Laboratory, Marseille Medical Genetics
Classification: Uncertain significance for hypertrophic cardiomyopathy. Review status: no assertion criteria provided. Collection method: research. Allele origin: unknown. Affected: yes. Not counted in ClinVar's aggregate classification.

Literature cited by the submitters: PubMed 32841044 (cited by 3 submitters); PubMed 28214152 (cited by 4 submitters); PubMed 39554508 (cited by Victorian Clinical Genetics Services, Murdoch Childrens Research Institute); PubMed 28265379 (cited by Victorian Clinical Genetics Services, Murdoch Childrens Research Institute); PubMed 37466024 (cited by Victorian Clinical Genetics Services, Murdoch Childrens Research Institute); PubMed 33954932 (cited by Victorian Clinical Genetics Services, Murdoch Childrens Research Institute); PubMed 35947370 (cited by Victorian Clinical Genetics Services, Murdoch Childrens Research Institute); PubMed 27532257 (cited by Victorian Clinical Genetics Services, Murdoch Childrens Research Institute); PubMed 30297972 (cited by Dasa and All of Us Research Program, National Institutes of Health).